The following is an entry in ClinVar:

NM_014324.6(AMACR):c.86C>G (p.Ala29Gly)

Genes: C1QTNF3-AMACR (C1QTNF3-AMACR readthrough (NMD candidate); minus strand), AMACR (alpha-methylacyl-CoA racemase; minus strand). Cytogenetic location: 5p13.2.
Variant type: single nucleotide variant.
Coding change: c.86C>G on transcript NM_014324.6 (MANE Select); coding-DNA position 86, C replaced by G.
Protein change: p.Ala29Gly; replaces alanine 29 with glycine.
Molecular consequence: missense variant.
Genome position (GRCh38, 1-based): chr5:34,007,934, G>C on the plus strand (C>G on the coding strand, the complement: AMACR is on the minus strand). VCF-style: chr5-34007934-G-C. GRCh37 (hg19) VCF-style: chr5-34008039-G-C.
Other names: c.86C>G, p.Ala29Gly (NM_001167595.2, NM_203382.3); c.86C>G (NM_014324.5); short protein forms A29G.
Identifiers: ClinVar variation 1424348 (VCV001424348.4), dbSNP rs773277129, ClinGen allele CA3226299.

ClinVar aggregate classification (germline): Uncertain significance. Review status: criteria provided, multiple submitters, no conflicts (2 of 4 stars). 2 submissions from 2 submitters: Uncertain significance (2). Last evaluated 2025-08-01.

Conditions:
Inborn genetic diseases. Identifiers: MedGen C0950123, MeSH D030342.
Alpha-methylacyl-CoA racemase deficiency (AMACRD). Also called: AMACR deficiency. Identifiers: Orphanet 79095, MedGen C3280428, MONDO:0013681, OMIM 614307. Disease mechanism: loss of function.

Allele frequency attached by ClinVar (database versions not stated): ExAC 0.00001; gnomAD exomes 0.00002.
gnomAD v4.1: 8 of 1,610,278 alleles (0.0005%); highest among the groups gnomAD compares: Admixed American, 0.0083%; no homozygotes.

Submissions (2):

Ambry Genetics
Classification: Uncertain significance for Inborn genetic diseases. Last evaluated: 2025-08-01. Review status: criteria provided, single submitter. Criteria: Ambry Variant Classification Scheme 2023. Collection method: clinical testing. Allele origin: germline.

Labcorp Genetics (formerly Invitae), Labcorp
Classification: Uncertain significance for Alpha-methylacyl-CoA racemase deficiency. Last evaluated: 2022-08-09. Review status: criteria provided, single submitter. Criteria: Invitae Variant Classification Sherloc (09022015). Collection method: clinical testing. Allele origin: germline.
Comment: This sequence change replaces alanine, which is neutral and non-polar, with glycine, which is neutral and non-polar, at codon 29 of the AMACR protein (p.Ala29Gly). This variant is present in population databases (rs773277129, gnomAD 0.007%). This variant has not been reported in the literature in individuals affected with AMACR-related conditions. ClinVar contains an entry for this variant (Variation ID: 1424348). Algorithms developed to predict the effect of missense changes on protein structure and function (SIFT, PolyPhen-2, Align-GVGD) all suggest that this variant is likely to be disruptive. In summary, the available evidence is currently insufficient to determine the role of this variant in disease. Therefore, it has been classified as a Variant of Uncertain Significance.